The following is an entry in ClinVar:

ClinVar aggregate classification (germline): Uncertain significance (1 of 4 stars; one submission).

Allele frequency attached by ClinVar (database versions not stated): TOPMed below 0.00001; gnomAD exomes below 0.00001.
gnomAD v4.1: 7 of 1,614,202 alleles (0.00043%); highest among the groups gnomAD compares: Admixed American, 0.0033%; no homozygotes.

Submission:

Labcorp Genetics (formerly Invitae), Labcorp
Classification: Uncertain significance. Last evaluated: 2025-12-23. Review status: criteria provided, single submitter. Criteria: Invitae Variant Classification Sherloc (09022015). Collection method: clinical testing. Allele origin: germline.
Comment: This sequence change replaces threonine, which is neutral and polar, with alanine, which is neutral and non-polar, at codon 125 of the RNF31 protein (p.Thr125Ala). This variant is present in population databases (no rsID available, gnomAD 0.003%). This variant has not been reported in the literature in individuals affected with RNF31-related conditions. ClinVar contains an entry for this variant (Variation ID: 3004675). An algorithm developed to predict the effect of missense changes on protein structure and function (PolyPhen-2) suggests that this variant is likely to be disruptive. In summary, the available evidence is currently insufficient to determine the role of this variant in disease. Therefore, it has been classified as a Variant of Uncertain Significance.

NM_017999.5(RNF31):c.373A>G (p.Thr125Ala)

Gene: RNF31 (ring finger protein 31; plus strand). Cytogenetic location: 14q12.
Variant type: single nucleotide variant.
Coding change: c.373A>G on transcript NM_017999.5 (MANE Select); coding-DNA position 373, A replaced by G.
Protein change: p.Thr125Ala; replaces threonine 125 with alanine.
Molecular consequence: missense variant. On other transcripts: 5 prime UTR variant (1).
Genome position (GRCh38, 1-based): chr14:24,148,291, A>G. VCF-style: chr14-24148291-A-G. GRCh37 (hg19) VCF-style: chr14-24617500-A-G.
Other names: c.-145A>G (NM_001310332.2); short protein forms T125A.
Identifiers: ClinVar variation 3004675 (VCV003004675.3), dbSNP rs1010383176, ClinGen allele CA257872168.